The following is an entry in ClinVar:

ClinVar aggregate classification (germline): Pathogenic (1 of 4 stars; one submission).

Conditions:
Hereditary cancer-predisposing syndrome. Also called: Neoplastic Syndromes, Hereditary; Tumor predisposition; Hereditary neoplastic syndrome; Hereditary Cancer Syndrome. Identifiers: Orphanet 140162, MedGen C0027672, MeSH D009386, MONDO:0015356.

Submission:

Ambry Genetics
Classification: Pathogenic for Hereditary cancer-predisposing syndrome. Last evaluated: 2025-07-09. Review status: criteria provided, single submitter. Criteria: Ambry Variant Classification Scheme 2023. Collection method: clinical testing. Allele origin: germline.
Comment: The c.10dupG pathogenic mutation, located in coding exon 2 of the POT1 gene, results from a duplication of G at nucleotide position 10, causing a translational frameshift with a predicted alternate stop codon (p.V4Gfs*15). This variant is considered to be rare based on population cohorts in the Genome Aggregation Database (gnomAD). This alteration is expected to result in loss of function by premature protein truncation or nonsense-mediated mRNA decay. As such, this alteration is interpreted as a disease-causing mutation.

NM_015450.2(POT1):c.10dupG

Gene: POT1 (protection of telomeres 1; minus strand). Cytogenetic location: 7q31.33.
Variant type: Duplication.
Coding change: c.10dupG on transcript NM_015450.2; coding-DNA position 10, one base duplicated (G).
Genome position (GRCh38, 1-based): chr7:124,892,380, C duplicated on the plus strand (G on the coding strand, the reverse complement: POT1 is on the minus strand); the first of 2 consecutive C bases (chr7:124,892,380-124,892,381); duplicating either gives the same sequence. VCF-style (leftmost placement, unchanged base first): chr7-124892379-A-AC. GRCh37 (hg19) VCF-style: chr7-124532433-A-AC.
Identifiers: ClinVar variation 4141929 (VCV004141929.1).